The following is an entry in ClinVar:

ClinVar aggregate classification (germline): Uncertain significance (1 of 4 stars; one submission).

Conditions:
PLXNA3-related disorder. Also called: PLXNA3-related condition.

gnomAD v4.1: 1 of 1,209,568 alleles (0.000083%); highest among the groups gnomAD compares: African/African-American, 0.0017%; no homozygotes.

Submission:

PreventionGenetics, part of Exact Sciences
Classification: Uncertain significance for PLXNA3-related condition. Last evaluated: 2025-01-23. Review status: criteria provided, single submitter. Criteria: ACMG Guidelines, 2015. Collection method: clinical testing. Allele origin: germline.
Comment: The PLXNA3 c.46G>C variant is predicted to result in the amino acid substitution p.Gly16Arg. To our knowledge, this variant has not been reported in the literature or in a large population database (gnomAD), indicating this variant is rare. At this time, the clinical significance of this variant is uncertain due to the absence of conclusive functional and genetic evidence.

NM_017514.5(PLXNA3):c.46G>C (p.Gly16Arg)

Gene: PLXNA3 (plexin A3; plus strand). Cytogenetic location: Xq28.
Variant type: single nucleotide variant.
Coding change: c.46G>C on transcript NM_017514.5 (MANE Select); coding-DNA position 46, G replaced by C.
Protein change: p.Gly16Arg; replaces glycine 16 with arginine.
Molecular consequence: missense variant.
Genome position (GRCh38, 1-based): chrX:154,460,229, G>C. VCF-style: chrX-154460229-G-C. GRCh37 (hg19) VCF-style: chrX-153688569-G-C.
Other names: short protein forms G16R.
Identifiers: ClinVar variation 5000028 (VCV005000028.1).